The following is an entry in ClinVar:

ClinVar aggregate classification (germline): Uncertain significance (1 of 4 stars; one submission).

Allele frequency attached by ClinVar (database versions not stated): gnomAD 0.00001; gnomAD exomes 0.00001; TOPMed 0.00001.
gnomAD v4.1: 7 of 1,613,900 alleles (0.00043%); highest among the groups gnomAD compares: Non-Finnish European, 0.00051%; no homozygotes.

Submission:

Ambry Genetics
Classification: Uncertain significance. Last evaluated: 2023-11-02. Review status: criteria provided, single submitter. Criteria: Ambry Variant Classification Scheme 2023. Collection method: clinical testing. Allele origin: germline.
Comment: The p.D1833E variant (also known as c.5499C>A), located in coding exon 16 of the POLQ gene, results from a C to A substitution at nucleotide position 5499. The aspartic acid at codon 1833 is replaced by glutamic acid, an amino acid with highly similar properties. This amino acid position is conserved. In addition, this alteration is predicted to be tolerated by in silico analysis. Since supporting evidence is limited at this time, the clinical significance of this alteration remains unclear.

NM_199420.4(POLQ):c.5499C>A (p.Asp1833Glu)

Gene: POLQ (DNA polymerase theta; minus strand). Cytogenetic location: 3q13.33.
Variant type: single nucleotide variant.
Coding change: c.5499C>A on transcript NM_199420.4 (MANE Select); coding-DNA position 5499, C replaced by A.
Protein change: p.Asp1833Glu; replaces aspartic acid 1833 with glutamic acid.
Molecular consequence: missense variant.
Genome position (GRCh38, 1-based): chr3:121,487,432, G>T on the plus strand (C>A on the coding strand, the complement: POLQ is on the minus strand). VCF-style: chr3-121487432-G-T. GRCh37 (hg19) VCF-style: chr3-121206279-G-T.
Other names: short protein forms D1833E.
Identifiers: ClinVar variation 1747890 (VCV001747890.2), dbSNP rs1008712423, ClinGen allele CA81832992.